The following is an entry in ClinVar:

NM_020347.4(LZTFL1):c.363G>C (p.Glu121Asp)

Gene: LZTFL1 (leucine zipper transcription factor like 1; minus strand). Cytogenetic location: 3p21.31.
Variant type: single nucleotide variant.
Coding change: c.363G>C on transcript NM_020347.4 (MANE Select); coding-DNA position 363, G replaced by C.
Protein change: p.Glu121Asp; replaces glutamic acid 121 with aspartic acid.
Molecular consequence: missense variant. On other transcripts: non-coding transcript variant (2).
Genome position (GRCh38, 1-based): chr3:45,834,259, C>G on the plus strand (G>C on the coding strand, the complement: LZTFL1 is on the minus strand). VCF-style: chr3-45834259-C-G. GRCh37 (hg19) VCF-style: chr3-45875751-C-G.
Other names: c.312G>C, p.Glu104Asp (NM_001276378.2, NM_001386451.1, NM_001405922.1 and 4 more transcripts); c.351G>C, p.Glu117Asp (NM_001276379.2, NM_001405921.1); c.363G>C, p.Glu121Asp (NM_001386452.1, NM_001405924.1); c.387G>C, p.Glu129Asp (NM_001405920.1, NM_001405925.1); short protein forms E104D, E117D, E121D, E129D.
Identifiers: ClinVar variation 3349467 (VCV003349467.1).

ClinVar aggregate classification (germline): Uncertain significance (0 of 4 stars; one submission).

Conditions:
LZTFL1-related disorder. Also called: LZTFL1-related condition.

Submission:

PreventionGenetics, part of Exact Sciences
Classification: Uncertain significance for LZTFL1-related condition. Last evaluated: 2024-05-11. Review status: no assertion criteria provided. Collection method: clinical testing. Allele origin: germline.
Comment: The LZTFL1 c.363G>C variant is predicted to result in the amino acid substitution p.Glu121Asp. To our knowledge, this variant has not been reported in the literature or in a large population database, indicating this variant is rare. At this time, the clinical significance of this variant is uncertain due to the absence of conclusive functional and genetic evidence.